The following is an entry in ClinVar:

ClinVar aggregate classification (germline): Uncertain significance (1 of 4 stars; one submission).

Conditions:
Inborn genetic diseases. Identifiers: MedGen C0950123, MeSH D030342.

Submission:

Ambry Genetics
Classification: Uncertain significance for Inborn genetic diseases. Last evaluated: 2025-02-14. Review status: criteria provided, single submitter. Criteria: Ambry Variant Classification Scheme 2023. Collection method: clinical testing. Allele origin: germline.
Comment: The p.H771Y variant (also known as c.2311C>T), located in coding exon 25 of the FANCA gene, results from a C to T substitution at nucleotide position 2311. The histidine at codon 771 is replaced by tyrosine, an amino acid with similar properties. This amino acid position is conserved. In addition, the in silico prediction for this alteration is inconclusive. Based on the available evidence, the clinical significance of this variant remains unclear.

NM_000135.4(FANCA):c.2311C>T (p.His771Tyr)

Gene: FANCA (FA complementation group A; minus strand). Cytogenetic location: 16q24.3.
Variant type: single nucleotide variant.
Coding change: c.2311C>T on transcript NM_000135.4 (MANE Select); coding-DNA position 2311, C replaced by T.
Protein change: p.His771Tyr; replaces histidine 771 with tyrosine.
Molecular consequence: missense variant.
Genome position (GRCh38, 1-based): chr16:89,770,171, G>A on the plus strand (C>T on the coding strand, the complement: FANCA is on the minus strand). VCF-style: chr16-89770171-G-A. GRCh37 (hg19) VCF-style: chr16-89836579-G-A.
Other names: c.2311C>T, p.His771Tyr (NM_001286167.3); short protein forms H771Y.
Identifiers: ClinVar variation 3848234 (VCV003848234.1).